The following is an entry in ClinVar:

NM_004393.6(DAG1):c.2479C>T (p.Pro827Ser)

Gene: DAG1 (dystroglycan 1; plus strand). Cytogenetic location: 3p21.31.
Variant type: single nucleotide variant.
Coding change: c.2479C>T on transcript NM_004393.6 (MANE Select); coding-DNA position 2479, C replaced by T.
Protein change: p.Pro827Ser; replaces proline 827 with serine.
Molecular consequence: missense variant.
Genome position (GRCh38, 1-based): chr3:49,532,990, C>T. VCF-style: chr3-49532990-C-T. GRCh37 (hg19) VCF-style: chr3-49570423-C-T.
Other names: c.2479C>T, p.Pro827Ser (NM_001165928.4, NM_001177634.3, NM_001177635.3 and 9 more transcripts); short protein forms P827S.
Identifiers: ClinVar variation 571453 (VCV000571453.7), dbSNP rs141562264, ClinGen allele CA2399269.

ClinVar aggregate classification (germline): Uncertain significance (1 of 4 stars; one submission).

Conditions:
Muscular dystrophy-dystroglycanopathy (congenital with brain and eye anomalies), type A9. Also called: WALKER-WARBURG SYNDROME OR MUSCLE-EYE BRAIN DISEASE, DAG1-RELATED; Muscular dystrophy-dystroglycanopathy (congenital with brain and eye anomalies), type a, 9. Identifiers: Orphanet 370997, Orphanet 899, MedGen C4225291, MONDO:0014683, OMIM 616538.
Autosomal recessive limb-girdle muscular dystrophy type 2P. Also called: MUSCULAR DYSTROPHY-DYSTROGLYCANOPATHY, LIMB-GIRDLE, DAG1-RELATED; Limb-Girdle Muscular Dystrophy Type 9C; MUSCULAR DYSTROPHY, LIMB-GIRDLE, TYPE 2P. Identifiers: Orphanet 280333, MedGen C4511963, MONDO:0013440, OMIM 613818.

Allele frequency attached by ClinVar (database versions not stated): ExAC 0.00002; gnomAD 0.00002; gnomAD exomes 0.00002 and 0.00007; TOPMed 0.00002; ESP Exome Variant Server 0.00008.
gnomAD v4.1: 111 of 1,613,958 alleles (0.0069%); highest among the groups gnomAD compares: Non-Finnish European, 0.0092%; no homozygotes.

Submission:

Labcorp Genetics (formerly Invitae), Labcorp
Classification: Uncertain significance for Autosomal recessive limb-girdle muscular dystrophy type 2P; Muscular dystrophy-dystroglycanopathy (congenital with brain and eye anomalies), type A9. Last evaluated: 2023-04-09. Review status: criteria provided, single submitter. Criteria: Invitae Variant Classification Sherloc (09022015). Collection method: clinical testing. Allele origin: germline.
Comment: In summary, the available evidence is currently insufficient to determine the role of this variant in disease. Therefore, it has been classified as a Variant of Uncertain Significance. Advanced modeling of protein sequence and biophysical properties (such as structural, functional, and spatial information, amino acid conservation, physicochemical variation, residue mobility, and thermodynamic stability) performed at Invitae indicates that this missense variant is expected to disrupt DAG1 protein function. ClinVar contains an entry for this variant (Variation ID: 571453). This variant has not been reported in the literature in individuals affected with DAG1-related conditions. The frequency data for this variant in the population databases is considered unreliable, as metrics indicate poor data quality at this position in the gnomAD database. This sequence change replaces proline, which is neutral and non-polar, with serine, which is neutral and polar, at codon 827 of the DAG1 protein (p.Pro827Ser).